The following is an entry in ClinVar:

NM_020884.7(MYH7B):c.956G>C (p.Gly319Ala)

Gene: MYH7B (myosin heavy chain 7B; plus strand). Cytogenetic location: 20q11.22.
Variant type: single nucleotide variant.
Coding change: c.956G>C on transcript NM_020884.7 (MANE Select); coding-DNA position 956, G replaced by C.
Protein change: p.Gly319Ala; replaces glycine 319 with alanine.
Molecular consequence: missense variant.
Genome position (GRCh38, 1-based): chr20:34,986,937, G>C. VCF-style: chr20-34986937-G-C. GRCh37 (hg19) VCF-style: chr20-33574740-G-C.
Other names: c.1082G>C (NM_020884.3); short protein forms G319A.
Identifiers: ClinVar variation 1505239 (VCV001505239.10), dbSNP rs369589197, ClinGen allele CA9826724.
Genomic context (GRCh38, chr20:34,986,937, plus strand): 5'-TGTCCCCAGACATGCTGCTTCTGTCTATGAACCCCTATGACTACCACTTCTGCAGCCAGG[G>C]CGTCATCACCGTGGACAACATGAATGATGGGGAGGAGCTCATCGCCACCGACGTATGAGC-3'
Protein context (NP_065935.4, residues 309-329): NPYDYHFCSQ[Gly319Ala]VITVDNMNDG

ClinVar aggregate classification (germline): Uncertain significance. Review status: criteria provided, multiple submitters, no conflicts (2 of 4 stars). 2 submissions from 2 submitters: Uncertain significance (2). Last evaluated 2025-11-26.

Allele frequency attached by ClinVar (database versions not stated): gnomAD exomes 0.00005 and 0.00007; ExAC 0.00007; ESP Exome Variant Server 0.00008; gnomAD 0.00009 and 0.00010; TOPMed 0.00012.
gnomAD v4.1: 119 of 1,614,108 alleles (0.0074%); highest among the groups gnomAD compares: Admixed American, 0.028%; no homozygotes.

Submissions (2):

Ambry Genetics
Classification: Uncertain significance. Last evaluated: 2025-11-26. Review status: criteria provided, single submitter. Criteria: Ambry Variant Classification Scheme 2023. Collection method: clinical testing. Allele origin: germline.

Labcorp Genetics (formerly Invitae), Labcorp
Classification: Uncertain significance. Last evaluated: 2025-10-19. Review status: criteria provided, single submitter. Criteria: Invitae Variant Classification Sherloc (09022015). Collection method: clinical testing. Allele origin: germline.
Comment: This sequence change replaces glycine, which is neutral and non-polar, with alanine, which is neutral and non-polar, at codon 361 of the MYH7B protein (p.Gly361Ala). This variant is present in population databases (rs369589197, gnomAD 0.009%). This variant has not been reported in the literature in individuals affected with MYH7B-related conditions. ClinVar contains an entry for this variant (Variation ID: 1505239). Invitae Evidence Modeling of protein sequence and biophysical properties (such as structural, functional, and spatial information, amino acid conservation, physicochemical variation, residue mobility, and thermodynamic stability) indicates that this missense variant is not expected to disrupt MYH7B protein function with a negative predictive value of 80%. In summary, the available evidence is currently insufficient to determine the role of this variant in disease. Therefore, it has been classified as a Variant of Uncertain Significance.